The following is an entry in ClinVar:

ClinVar aggregate classification (germline): Benign (1 of 4 stars; one submission).

Allele frequency attached by ClinVar (database versions not stated): gnomAD 0.02343 and 0.02529; 1000 Genomes Project 0.02716; TOPMed 0.02788; 1000 Genomes Project 30x 0.03061.

Submission:

GeneDx
Classification: Benign. Last evaluated: 2018-06-16. Review status: criteria provided, single submitter. Criteria: GeneDx Variant Classification (06012015). Collection method: clinical testing. Allele origin: germline. Affected: yes.
Comment: This variant is considered likely benign or benign based on one or more of the following criteria: it is a conservative change, it occurs at a poorly conserved position in the protein, it is predicted to be benign by multiple in silico algorithms, and/or has population frequency not consistent with disease.

NM_000256.3(MYBPC3):c.655-216A>G

Gene: MYBPC3 (myosin binding protein C3; minus strand). Cytogenetic location: 11p11.2.
Variant type: single nucleotide variant.
Coding change: c.655-216A>G on transcript NM_000256.3 (MANE Select); 216 bases into the intron before coding-DNA position 655, A replaced by G.
Molecular consequence: intron variant.
Genome position (GRCh38, 1-based): chr11:47,348,757, T>C on the plus strand (A>G on the coding strand, the complement: MYBPC3 is on the minus strand). VCF-style: chr11-47348757-T-C. GRCh37 (hg19) VCF-style: chr11-47370308-T-C.
Identifiers: ClinVar variation 675862 (VCV000675862.1), dbSNP rs112007313, ClinGen allele CA221705566.